The following is an entry in ClinVar:

NM_000059.4(BRCA2):c.367_370del (p.Lys123fs)

Gene: BRCA2 (BRCA2 DNA repair associated; plus strand). Cytogenetic location: 13q13.1.
Variant type: Deletion.
Coding change: c.367_370del on transcript NM_000059.4 (MANE Select); coding-DNA positions 367 to 370, 4 bases deleted (AAAA; older notation c.367_370delAAAA).
Protein change: p.Lys123fs; shifts the reading frame from lysine 123.
Molecular consequence: frameshift variant.
Genome position (GRCh38, 1-based): chr13:32,325,126-32,325,129, AAAA deleted. VCF-style (leftmost placement, unchanged base first): chr13-32325125-TAAAA-T. GRCh37 (hg19) VCF-style: chr13-32899262-TAAAA-T.
Other names: c.367_370delAAAA (NM_000059.3); short protein forms K123fs.
Identifiers: ClinVar variation 491252 (VCV000491252.4), dbSNP rs1555280854, ClinGen allele CA658683810.
Genomic context (GRCh38, chr13:32,325,125, plus strand): 5'-TACTGTTTCAGGAAGGAATGTTCCCAATAGTAGACATAAAAGTCTTCGCACAGTGAAAAC[TAAAA>T]TGGATCAAGCAGATGATGTTTCCTGTCCACTTCTAAATTCTTGTCTTAGTGAAAGGTATG-3'

ClinVar aggregate classification (germline): Pathogenic (1 of 4 stars; one submission).

Conditions:
Hereditary cancer-predisposing syndrome. Also called: Hereditary neoplastic syndrome; Tumor predisposition; Hereditary Cancer Syndrome; Neoplastic Syndromes, Hereditary. Identifiers: Orphanet 140162, MedGen C0027672, MeSH D009386, MONDO:0015356.

Submission:

Color Diagnostics, LLC DBA Color Health
Classification: Pathogenic for Hereditary cancer-predisposing syndrome. Last evaluated: 2020-05-13. Review status: criteria provided, single submitter. Criteria: ACMG Guidelines, 2015. Collection method: clinical testing. Allele origin: germline.
Comment: This variant deletes 4 nucleotides in exon 4 of the BRCA2 gene, creating a frameshift and premature translation stop signal. This variant is expected to result in an absent or non-functional protein product. To our knowledge, this variant has not been reported in individuals affected with hereditary cancer in the literature. This variant has not been identified in the general population by the Genome Aggregation Database (gnomAD). Loss of BRCA2 function is a known mechanism of disease. Based on the available evidence, this variant is classified as Pathogenic.